The following is an entry in ClinVar:

ClinVar aggregate classification (germline): Uncertain significance (1 of 4 stars; one submission).

Submission:

Dasa
Classification: Uncertain significance. Last evaluated: 2026-03-04. Review status: criteria provided, single submitter. Criteria: DASA Assertion Criteria. Collection method: clinical testing. Allele origin: germline.
Comment: NM_022168.4(IFIH1):c.2053A>G (p.Lys685Glu) is a missense variant that results in the substitution of lysine with glutamic acid. This variant is rare in population databases. Computational prediction algorithms are consistent with a benign effect. The currently available literature and clinical evidence are not sufficient to establish a definitive association between this variant and the reported condition. Therefore, this variant is classified as a variant of uncertain significance.

NM_022168.4(IFIH1):c.2053A>G (p.Lys685Glu)

Gene: IFIH1 (interferon induced with helicase C domain 1; minus strand). Cytogenetic location: 2q24.2.
Variant type: single nucleotide variant.
Coding change: c.2053A>G on transcript NM_022168.4 (MANE Select); coding-DNA position 2053, A replaced by G.
Protein change: p.Lys685Glu; replaces lysine 685 with glutamic acid.
Molecular consequence: missense variant.
Genome position (GRCh38, 1-based): chr2:162,276,938, T>C on the plus strand (A>G on the coding strand, the complement: IFIH1 is on the minus strand). VCF-style: chr2-162276938-T-C. GRCh37 (hg19) VCF-style: chr2-163133448-T-C.
Other names: short protein forms K685E.
Identifiers: ClinVar variation 4885344 (VCV004885344.2).